The following is an entry in ClinVar:

ClinVar aggregate classification (germline): Uncertain significance (1 of 4 stars; one submission).

Submission:

Labcorp Genetics (formerly Invitae), Labcorp
Classification: Uncertain significance. Last evaluated: 2025-10-19. Review status: criteria provided, single submitter. Criteria: Invitae Variant Classification Sherloc (09022015). Collection method: clinical testing. Allele origin: germline.
Comment: This sequence change falls in intron 10 of the ATP8B1 gene. It does not directly change the encoded amino acid sequence of the ATP8B1 protein. This variant is not present in population databases (gnomAD no frequency). This variant has not been reported in the literature in individuals affected with ATP8B1-related conditions. Experimental studies and prediction algorithms are not available or were not evaluated, and the effect of this variant on mRNA splicing is currently unknown. In summary, the available evidence is currently insufficient to determine the role of this variant in disease. Therefore, it has been classified as a Variant of Uncertain Significance.

NM_001374385.1(ATP8B1):c.919_940+103dup

Gene: ATP8B1 (ATPase phospholipid transporting 8B1; minus strand). Cytogenetic location: 18q21.31.
Variant type: Duplication.
Coding change: c.919_940+103dup on transcript NM_001374385.1 (MANE Select); coding-DNA position 919 through 103 bases into the intron after coding-DNA position 940, 125 bases duplicated.
Molecular consequence: splice donor variant.
Genome position (GRCh38, 1-based): chr18:57,695,068-57,695,192, 125 bases duplicated. GRCh37 (hg19): chr18:55,362,300-55,362,424.
Other names: c.919_940+103dup (NM_005603.6); c.769_790+103dup (NM_001374386.1).
Identifiers: ClinVar variation 4729502 (VCV004729502.1).